The following is an entry in ClinVar:

NM_004974.4(KCNA2):c.181del (p.Asp61fs)

Gene: KCNA2 (potassium voltage-gated channel subfamily A member 2; minus strand). Cytogenetic location: 1p13.3.
Variant type: Deletion.
Coding change: c.181del on transcript NM_004974.4 (MANE Select); coding-DNA position 181, one base deleted (G; older notation c.181delG).
Protein change: p.Asp61fs; shifts the reading frame from aspartic acid 61.
Molecular consequence: frameshift variant.
Genome position (GRCh38, 1-based): chr1:110,604,602, C deleted on the plus strand (G on the coding strand, the reverse complement: KCNA2 is on the minus strand); the first of 4 consecutive C bases (chr1:110,604,602-110,604,605); deleting any one gives the same sequence. VCF-style (leftmost placement, unchanged base first): chr1-110604601-TC-T. GRCh37 (hg19) VCF-style: chr1-111147223-TC-T.
Other names: c.181del, p.Asp61fs (NM_001204269.2); short protein forms D61fs.
Identifiers: ClinVar variation 2015540 (VCV002015540.4), dbSNP rs2524623169, ClinGen allele CA2580060812.

ClinVar aggregate classification (germline): Pathogenic (1 of 4 stars; one submission).

Conditions:
Developmental and epileptic encephalopathy, 32 (DEE32). Also called: Epileptic encephalopathy, early infantile, 32. Identifiers: Orphanet 442835, MedGen C4225350, MONDO:0014607, OMIM 616366.

Submission:

Labcorp Genetics (formerly Invitae), Labcorp
Classification: Pathogenic for Developmental and epileptic encephalopathy, 32. Last evaluated: 2024-01-24. Review status: criteria provided, single submitter. Criteria: Invitae Variant Classification Sherloc (09022015). Collection method: clinical testing. Allele origin: germline.
Comment: This sequence change creates a premature translational stop signal (p.Asp61Thrfs*6) in the KCNA2 gene. While this is not anticipated to result in nonsense mediated decay, it is expected to disrupt the last 439 amino acid(s) of the KCNA2 protein. This variant is not present in population databases (gnomAD no frequency). This variant has not been reported in the literature in individuals affected with KCNA2-related conditions. ClinVar contains an entry for this variant (Variation ID: 2015540). This variant disrupts a region of the KCNA2 protein in which other variant(s) (p.Arg65*) have been determined to be pathogenic (PMID: 27457812; Invitae). This suggests that this is a clinically significant region of the protein, and that variants that disrupt it are likely to be disease-causing. For these reasons, this variant has been classified as Pathogenic.

Literature cited by the submitters: PubMed 27457812.